The following is an entry in ClinVar:

NM_002784.5(PSG9):c.45G>T (p.Trp15Cys)

Gene: PSG9 (pregnancy specific beta-1-glycoprotein 9; minus strand). Cytogenetic location: 19q13.31.
Variant type: single nucleotide variant.
Coding change: c.45G>T on transcript NM_002784.5 (MANE Select); coding-DNA position 45, G replaced by T.
Protein change: p.Trp15Cys; replaces tryptophan 15 with cysteine.
Molecular consequence: missense variant.
Genome position (GRCh38, 1-based): chr19:43,269,387, C>A on the plus strand (G>T on the coding strand, the complement: PSG9 is on the minus strand). VCF-style: chr19-43269387-C-A. GRCh37 (hg19) VCF-style: chr19-43773539-C-A.
Other names: c.45G>T, p.Trp15Cys (NM_001411075.1, NM_001301707.2, NM_001301708.2 and 1 more transcripts); short protein forms W15C.
Identifiers: ClinVar variation 2296658 (VCV002296658.3), dbSNP rs1240937834, ClinGen allele CA406170102.
Genomic context (GRCh38, chr19:43,269,387, plus strand): 5'-GCTTCCTCCCCCTGTCCTCTCCCAGGAAGTTCTCTCCTCACCTGTGAGCAGGAGCCCCTT[C>A]CAGGTGATGCGCTGTGTGCAGGAAGGGGCTGGGAGGGGCCCCATGGTCTCTGCTGCCTGT-3'
Protein context (NP_002775.3, residues 5-25): PAPSCTQRIT[Trp15Cys]KGLLLTASLL

ClinVar aggregate classification (germline): Uncertain significance (1 of 4 stars; one submission).

Allele frequency attached by ClinVar (database versions not stated): gnomAD 0.00001.
gnomAD v4.1: 10 of 1,613,538 alleles (0.00062%); highest among the groups gnomAD compares: African/African-American, 0.008%; no homozygotes.

Submission:

Ambry Genetics
Classification: Uncertain significance. Last evaluated: 2026-07-14. Review status: criteria provided, single submitter. Criteria: Ambry Variant Classification Scheme 2023. Collection method: clinical testing. Allele origin: germline.
Comment: The c.45G>T (p.W15C) alteration is located in exon 1 (coding exon 1) of the PSG9 gene. This alteration results from a G to T substitution at nucleotide position 45, causing the tryptophan (W) at amino acid position 15 to be replaced by a cysteine (C). Based on data from gnomAD, the T allele has an overall frequency of <0.001% (1/251146) total alleles studied. The highest observed frequency was 0.006% (1/16246) of African alleles. Based on insufficient or conflicting evidence, the clinical significance of this alteration remains unclear.